The following is an entry in ClinVar:

ClinVar aggregate classification (germline): Uncertain significance (1 of 4 stars; one submission).

gnomAD v4.1: 1 of 1,613,866 alleles (0.000062%); highest among the groups gnomAD compares: Non-Finnish European, 0.000085%; no homozygotes.

Submission:

Women's Health and Genetics/Laboratory Corporation of America, LabCorp
Classification: Uncertain significance. Last evaluated: 2024-07-09. Review status: criteria provided, single submitter. Criteria: LabCorp Variant Classification Summary - May 2015. Collection method: clinical testing. Allele origin: germline.
Comment: Variant summary: HNF1A c.1407C>A (p.His469Gln) results in a non-conservative amino acid change in Hepatocyte nuclear factor 1, beta isoform, C-terminal domain (IPR006897) of the encoded protein sequence. Four of five in-silico tools predict a damaging effect of the variant on protein function. The variant was absent in 249830 control chromosomes. The available data on variant occurrences in the general population are insufficient to allow any conclusion about variant significance. To our knowledge, no occurrence of c.1407C>A in individuals affected with Maturity Onset Diabetes Of The Young 3 and no experimental evidence demonstrating its impact on protein function have been reported. No submitters have cited clinical-significance assessments for this variant to ClinVar. Based on the evidence outlined above, the variant was classified as uncertain significance.

NM_000545.8(HNF1A):c.1407C>A (p.His469Gln)

Gene: HNF1A (HNF1 homeobox A; plus strand). Cytogenetic location: 12q24.31.
Variant type: single nucleotide variant.
Coding change: c.1407C>A on transcript NM_000545.8 (MANE Select); coding-DNA position 1407, C replaced by A.
Protein change: p.His469Gln; replaces histidine 469 with glutamine.
Molecular consequence: missense variant. On other transcripts: intron variant (1).
Genome position (GRCh38, 1-based): chr12:120,997,571, C>A. VCF-style: chr12-120997571-C-A. GRCh37 (hg19) VCF-style: chr12-121435374-C-A.
Other names: c.1407C>A, p.His469Gln (NM_001306179.2); c.1309+829C>A (NM_001406915.1); short protein forms H469Q.
Identifiers: ClinVar variation 3339028 (VCV003339028.1).